The following is an entry in ClinVar:

NM_000138.5(FBN1):c.1A>C (p.Met1Leu)

Gene: FBN1 (fibrillin 1; minus strand). Cytogenetic location: 15q21.1.
Variant type: single nucleotide variant.
Coding change: c.1A>C on transcript NM_000138.5 (MANE Select); coding-DNA position 1, A replaced by C.
Protein change: p.Met1Leu; changes the start codon (methionine 1).
Molecular consequence: missense variant, initiator codon variant.
Genome position (GRCh38, 1-based): chr15:48,644,769, T>G on the plus strand (A>C on the coding strand, the complement: FBN1 is on the minus strand). VCF-style: chr15-48644769-T-G. GRCh37 (hg19) VCF-style: chr15-48936966-T-G.
Other names: NM_000138.5(FBN1):c.1A>C; p.Met1Leu; short protein forms M1L.
Identifiers: ClinVar variation 495569 (VCV000495569.8), dbSNP rs730880097, ClinGen allele CA392454066.
Genomic context (GRCh38, chr15:48,644,769, plus strand): 5'-TGTAGGACGCTAAAAGCACGGTAAATCCCAGGGCGATCTCCAGCAGACGCCCTCGACGCA[T>G]GATGCCGAGCCGCCACCGGCTCCCGCCGCCTCTTGCCGCGCCCGGGGCTCGGTCTGCGGC-3'
Protein context (NP_000129.3, residues 1-11): [Met1Leu]RRGRLLEIAL

ClinVar aggregate classification (germline): Pathogenic. Review status: reviewed by expert panel (3 of 4 stars). 4 submissions from 4 submitters: Pathogenic (1). 3 of the submissions do not count toward it. Last evaluated 2023-09-26.

Conditions:
Marfan Syndrome/Loeys-Dietz Syndrome/Familial Thoracic Aortic Aneurysms and Dissections. Identifiers: MedGen CN229799.
Familial thoracic aortic aneurysm and aortic dissection (TAAD). Also called: Thoracic aortic aneurysms and dissections. Identifiers: Orphanet 91387, MedGen C4707243, MONDO:0019625.
Marfan syndrome (MFS). Also called: MARFAN SYNDROME, TYPE I; FBN1-Related Marfan Syndrome; Marfan syndrome type 1; Marfan's syndrome; Marfan syndrome, classic. Identifiers: Orphanet 284963, Orphanet 558, MedGen C0024796, MONDO:0007947, OMIM 154700.

Submissions (4):

ClinGen FBN1 Variant Curation Expert Panel, ClinGen
Classification: Pathogenic for Marfan syndrome. Last evaluated: 2023-09-26. Review status: reviewed by expert panel. Criteria: Assertion Criteria VCEP FBN1 Version 1. Collection method: curation. Allele origin: germline. Inheritance: Autosomal dominant inheritance.
Comment: NM_000138.5 c.1A>C alters the methionine at amino acid position 1, which functions as the translation initiation codon, and is considered a start-loss variant. This is expected to result in an absent or disrupted protein product due to loss of protein translation, N-terminal truncation, or alteration of the reading frame (PVS1_moderate). Start-loss variants have been reported in the literature in at least 6 individuals with features suggestive of Marfan syndrome and in 1 individual with a clinical diagnosis of Marfan syndrome (PS4; PMIDs: 19012347, 19159394, 27611364, 29357934, 28973303, 29848614, 35058154). In one of these individuals with a non-specific phenotype and in another with a phenotype consistent with FBN1 but not highly specific, a start-loss variant was found to be de novo with maternity and paternity unconfirmed (PM6; PMIDs: 28973303, 35058154). A start-loss variant was also identified in an internal family of 2 siblings with clinical diagnoses of Marfan syndrome (PP4; Bichat). This specific variant has been reported in ClinVar as pathogenic and likely pathogenic (Variation ID: 495569). This variant and all other start-loss variants are absent from gnomAD (PM2_supporting). In summary, this variant meets criteria to be classified as pathogenic for Marfan syndrome based on the ACMG/AMP criteria applied, as specified by the ClinGen FBN1 VCEP: PS4, PVS1_moderate, PM6, PM2_supporting, PP4.

Women's Health and Genetics/Laboratory Corporation of America, LabCorp
Classification: Likely pathogenic for Marfan Syndrome/Loeys-Dietz Syndrome/Familial Thoracic Aortic Aneurysms and Dissections. Last evaluated: 2020-08-10. Review status: criteria provided, single submitter. Criteria: LabCorp Variant Classification Summary - May 2015. Collection method: clinical testing. Allele origin: germline. Not counted in ClinVar's aggregate classification.
Comment: Variant summary: FBN1 c.1A>C (p.Met1?) alters the initiation codon and is predicted to result either in absence of the protein or truncation of the encoded protein due to translation initiation at a downstream codon. Two of three in-silico tools predict a benign effect of the variant on protein function. The variant was absent in 234430 control chromosomes. The available data on variant occurrences in the general population are insufficient to allow any conclusion about variant significance. To our knowledge, no occurrence of c.1A>C in individuals affected with Marfan Syndrome and no experimental evidence demonstrating its impact on protein function have been reported. However, other variants affecting p.Met1 (c.1A>T, c.1A>G, c.2T>A, c.3G>A) have been reported to associate with MFS. Two clinical diagnostic laboratories have submitted clinical-significance assessments for this variant to ClinVar after 2014 without evidence for independent evaluation. Both laboratories classified the variant as pathogenic/likely pathogenic. Based on the evidence outlined above, the variant was classified as likely pathogenic.

Ambry Genetics
Classification: Pathogenic for Familial thoracic aortic aneurysm and aortic dissection. Last evaluated: 2016-11-18. Review status: criteria provided, single submitter. Criteria: Ambry Variant Classification Scheme 2023. Collection method: clinical testing. Allele origin: germline. Not counted in ClinVar's aggregate classification.
Comment: The p.M1? pathogenic mutation (also known as c.1A>C), located in coding exon 1 of the FBN1 gene, results from an A to C substitution at nucleotide position 1. This alters the methionine residue at the initiation codon. Mutations in this codon have been reported in patients with Marfan syndrome (Rybczynski M et al. Am. J. Med. Genet. A, 2008 Dec;146A:3157-66; S&ouml;ylen B et al. Clin. Genet., 2009 Mar;75:265-70). In addition to the clinical data presented in the literature, since sequence variations that modify the initiation codon (ATG) are expected to result in either loss of translation initiation, N-terminal truncation, or cause a shift in the mRNA reading frame, this alteration is interpreted as a disease-causing mutation.

Center for Medical Genetics Ghent, University of Ghent
Classification: Likely pathogenic for Marfan syndrome. Last evaluated: 2017-11-07. Review status: no assertion criteria provided. Collection method: clinical testing. Allele origin: germline. Affected: yes. Not counted in ClinVar's aggregate classification.

Literature cited by the submitters: PubMed 19012347 (cited by Ambry Genetics); PubMed 19159394 (cited by Ambry Genetics).